The following is an entry in ClinVar:

NM_001276700.2(NLRP6):c.184G>A (p.Val62Met)

Gene: NLRP6 (NLR family pyrin domain containing 6; plus strand). Cytogenetic location: 11p15.5.
Variant type: single nucleotide variant.
Coding change: c.184G>A on transcript NM_001276700.2 (MANE Select); coding-DNA position 184, G replaced by A.
Protein change: p.Val62Met; replaces valine 62 with methionine.
Molecular consequence: missense variant.
Genome position (GRCh38, 1-based): chr11:279,481, G>A. VCF-style: chr11-279481-G-A. GRCh37 (hg19) VCF-style: chr11-279481-G-A.
Other names: c.184G>A, p.Val62Met (NM_138329.2); short protein forms V62M.
Identifiers: ClinVar variation 103231 (VCV000103231.2), dbSNP rs199475795, ClinGen allele CA230290.
Genomic context (GRCh38, chr11:279,481, plus strand): 5'-CGCGACGTGGGCCCGGACGGACGCAGCATCCCGTGGGGGCGGCTGGAGCGCGCGGACGCC[G>A]TGGACCTCGCGGAGCAGCTGGCCCAGTTCTACGGCCCGGAGCCTGCCCTGGAGGTGGCCC-3'
Protein context (NP_001263629.1, residues 52-72): PWGRLERADA[Val62Met]DLAEQLAQFY

ClinVar aggregate classification (germline): not provided (0 of 4 stars; one submission).

Allele frequency attached by ClinVar (database versions not stated): gnomAD exomes 0.00001; TOPMed 0.00008; gnomAD 0.00010 and 0.00013; 1000 Genomes Project 0.00040; 1000 Genomes Project 30x 0.00047.

Submission:

Human Evolutionary Genetics, Institut Pasteur
No classification provided. Review status: no classification provided. Collection method: not provided. Allele origin: germline.
ClinVar note: Converted during submission from untested to not provided.